The following is an entry in ClinVar:

ClinVar aggregate classification (germline): Benign/Likely benign. Review status: criteria provided, multiple submitters, no conflicts (2 of 4 stars). 3 submissions from 3 submitters: Benign (1); Likely benign (2). Last evaluated 2026-01-31.

Conditions:
Juvenile polyposis syndrome (JPS). Identifiers: Orphanet 2929, MedGen C0345893, MONDO:0017380, OMIM 174900.
Juvenile polyposis/hereditary hemorrhagic telangiectasia syndrome (JPHT). Also called: POLYPOSIS, GENERALIZED JUVENILE, WITH PULMONARY ARTERIOVENOUS MALFORMATION; TELANGIECTASIA, HEREDITARY HEMORRHAGIC, WITH JUVENILE POLYPOSIS COLI; Juvenile Polyposis Syndrome / Hereditary Hemorrhagic Telangiectasia (JPS/HHT); JP/HHT SYNDROME; JUVENILE POLYPOSIS WITH HEREDITARY HEMORRHAGIC TELANGIECTASIA. Identifiers: Orphanet 2929, MedGen C1832942, MONDO:0008278, OMIM 175050.

Allele frequency attached by ClinVar (database versions not stated): gnomAD exomes below 0.00001.
gnomAD v4.1: 1 of 1,614,086 alleles (0.000062%); highest among the groups gnomAD compares: East Asian, 0.0022%; no homozygotes.

Submissions (3):

Labcorp Genetics (formerly Invitae), Labcorp
Classification: Likely benign for Juvenile polyposis syndrome. Last evaluated: 2026-01-31. Review status: criteria provided, single submitter. Criteria: Invitae Variant Classification Sherloc (09022015). Collection method: clinical testing. Allele origin: germline.

Myriad Genetics, Inc.
Classification: Benign for Juvenile polyposis/hereditary hemorrhagic telangiectasia syndrome. Last evaluated: 2025-03-20. Review status: criteria provided, single submitter. Criteria: Myriad Autosomal Dominant, Autosomal Recessive and X-Linked Classification Criteria (2023). Collection method: clinical testing. Allele origin: unknown.
Comment: This variant is considered benign. This variant is a silent/synonymous amino acid change and it is not expected to impact splicing.

GeneDx
Classification: Likely benign. Last evaluated: 2015-10-13. Review status: criteria provided, single submitter. Criteria: GeneDx Variant Classification (06012015). Collection method: clinical testing. Allele origin: germline. Affected: yes.
Comment: This variant is considered likely benign or benign based on one or more of the following criteria: it is a conservative change, it occurs at a poorly conserved position in the protein, it is predicted to be benign by multiple in silico algorithms, and/or has population frequency not consistent with disease.

NM_005359.6(SMAD4):c.1014A>G (p.Thr338=)

Gene: SMAD4 (SMAD family member 4; plus strand). Cytogenetic location: 18q21.2.
Variant type: single nucleotide variant.
Coding change: c.1014A>G on transcript NM_005359.6 (MANE Select); coding-DNA position 1014, A replaced by G.
Protein change: p.Thr338=; no amino-acid change (threonine 338 retained).
Molecular consequence: synonymous variant.
Genome position (GRCh38, 1-based): chr18:51,065,481, A>G. VCF-style: chr18-51065481-A-G. GRCh37 (hg19) VCF-style: chr18-48591851-A-G.
Identifiers: ClinVar variation 378974 (VCV000378974.6), dbSNP rs1057520443, ClinGen allele CA16607991.
Genomic context (GRCh38, chr18:51,065,481, plus strand): 5'-AGCTCCTGAGTATTGGTGTTCCATTGCTTACTTTGAAATGGATGTTCAGGTAGGAGAGAC[A>G]TTTAAGGTTCCTTCAAGCTGCCCTATTGTTACTGTTGATGGATACGTGGACCCTTCTGGA-3'
Protein context (NP_005350.1, residues 328-348): YFEMDVQVGE[Thr338=]FKVPSSCPIV